The following is an entry in ClinVar:

NM_001122769.3(LCA5):c.1616C>G (p.Ser539Ter)

Gene: LCA5 (lebercilin LCA5; minus strand). Cytogenetic location: 6q14.1.
Variant type: single nucleotide variant.
Coding change: c.1616C>G on transcript NM_001122769.3 (MANE Select); coding-DNA position 1616, C replaced by G.
Protein change: p.Ser539Ter; replaces serine 539 with a stop codon.
Molecular consequence: nonsense.
Genome position (GRCh38, 1-based): chr6:79,487,482, G>C on the plus strand (C>G on the coding strand, the complement: LCA5 is on the minus strand). VCF-style: chr6-79487482-G-C. GRCh37 (hg19) VCF-style: chr6-80197199-G-C.
Other names: c.1616C>G, p.Ser539Ter (NM_181714.4); short protein forms S539*.
Identifiers: ClinVar variation 2032395 (VCV002032395.4), dbSNP rs2533369185, ClinGen allele CA364639682.

ClinVar aggregate classification (germline): Pathogenic (1 of 4 stars; one submission).

Submission:

Labcorp Genetics (formerly Invitae), Labcorp
Classification: Pathogenic. Last evaluated: 2022-09-24. Review status: criteria provided, single submitter. Criteria: Invitae Variant Classification Sherloc (09022015). Collection method: clinical testing. Allele origin: germline.
Comment: This sequence change creates a premature translational stop signal (p.Ser539*) in the LCA5 gene. While this is not anticipated to result in nonsense mediated decay, it is expected to disrupt the last 159 amino acid(s) of the LCA5 protein. This variant is not present in population databases (gnomAD no frequency). This variant has not been reported in the literature in individuals affected with LCA5-related conditions. This variant disrupts a region of the LCA5 protein in which other variant(s) (p.Lys586*) have been determined to be pathogenic (PMID: 23946133, 27624628). This suggests that this is a clinically significant region of the protein, and that variants that disrupt it are likely to be disease-causing. For these reasons, this variant has been classified as Pathogenic.

Literature cited by the submitters: PubMed 23946133; PubMed 27624628.